The following is an entry in ClinVar:

NM_182961.4(SYNE1):c.4844G>C (p.Ser1615Thr)

Gene: SYNE1 (spectrin repeat containing nuclear envelope protein 1; minus strand). Cytogenetic location: 6q25.2.
Variant type: single nucleotide variant.
Coding change: c.4844G>C on transcript NM_182961.4 (MANE Select); coding-DNA position 4844, G replaced by C.
Protein change: p.Ser1615Thr; replaces serine 1615 with threonine.
Molecular consequence: missense variant.
Genome position (GRCh38, 1-based): chr6:152,428,337, C>G on the plus strand (G>C on the coding strand, the complement: SYNE1 is on the minus strand). VCF-style: chr6-152428337-C-G. GRCh37 (hg19) VCF-style: chr6-152749472-C-G.
Other names: c.4865G>C, p.Ser1622Thr (NM_033071.5); short protein forms S1615T, S1622T.
Identifiers: ClinVar variation 906708 (VCV000906708.10), dbSNP rs775729666, ClinGen allele CA4058437.
Genomic context (GRCh38, chr6:152,428,337, plus strand): 5'-TGCTGCTGTAGAGCCGCAGCCTCCTGAACACAGGAATCTCTGTTCACAACCTTCCTGGCA[C>G]TGGCTGAGAAGGCAGTGATCGCGCTGCTCAGTGACTCCAGGGCCTGGCAGAGATCCTAAG-3'
Protein context (NP_892006.3, residues 1605-1625): LSSAITAFSA[Ser1615Thr]ARKVVNRDSC

ClinVar aggregate classification (germline): Uncertain significance. Review status: criteria provided, multiple submitters, no conflicts (2 of 4 stars). 3 submissions from 2 submitters: Uncertain significance (3). Last evaluated 2022-10-13.

Conditions:
Emery-Dreifuss muscular dystrophy 4, autosomal dominant (EDMD4). Also called: EMERY-DREIFUSS MUSCULAR DYSTROPHY 4 WITH VARIABLE FEATURES. Identifiers: Orphanet 261, MedGen C2751807, MONDO:0013071, OMIM 612998.
Autosomal recessive ataxia, Beauce type. Also called: ATAXIA, RECESSIVE, OF BEAUCE; SYNE1 Deficiency; SYNE1-Related Autosomal Recessive Cerebellar Ataxia; Spinocerebellar ataxia, autosomal recessive 8. Identifiers: Orphanet 88644, MedGen C1853116, MONDO:0012549, OMIM 610743.

Allele frequency attached by ClinVar (database versions not stated): ExAC 0.00001; gnomAD 0.00001; gnomAD exomes 0.00001 and 0.00009; TOPMed 0.00002.
gnomAD v4.1: 126 of 1,614,040 alleles (0.0078%); highest among the groups gnomAD compares: Non-Finnish European, 0.011%; no homozygotes.

Submissions (3):

Labcorp Genetics (formerly Invitae), Labcorp
Classification: Uncertain significance for Emery-Dreifuss muscular dystrophy 4, autosomal dominant; Autosomal recessive ataxia, Beauce type. Last evaluated: 2022-10-13. Review status: criteria provided, single submitter. Criteria: Invitae Variant Classification Sherloc (09022015). Collection method: clinical testing. Allele origin: germline.
Comment: In summary, the available evidence is currently insufficient to determine the role of this variant in disease. Therefore, it has been classified as a Variant of Uncertain Significance. Algorithms developed to predict the effect of missense changes on protein structure and function (SIFT, PolyPhen-2, Align-GVGD) all suggest that this variant is likely to be tolerated. ClinVar contains an entry for this variant (Variation ID: 906708). This variant has not been reported in the literature in individuals affected with SYNE1-related conditions. This variant is present in population databases (rs775729666, gnomAD 0.002%). This sequence change replaces serine, which is neutral and polar, with threonine, which is neutral and polar, at codon 1622 of the SYNE1 protein (p.Ser1622Thr).

Illumina Laboratory Services, Illumina
Classification: Uncertain significance for Autosomal recessive ataxia, Beauce type. Last evaluated: 2018-01-12. Review status: criteria provided, single submitter. Criteria: ICSL Variant Classification Criteria 13 December 2019. Collection method: clinical testing. Allele origin: germline.

Illumina Laboratory Services, Illumina
Classification: Uncertain significance for Emery-Dreifuss muscular dystrophy 4, autosomal dominant. Last evaluated: 2018-01-12. Review status: criteria provided, single submitter. Criteria: ICSL Variant Classification Criteria 13 December 2019. Collection method: clinical testing. Allele origin: germline.